The following is an entry in ClinVar:

NM_005359.6(SMAD4):c.424+5G>A

Gene: SMAD4 (SMAD family member 4; plus strand). Cytogenetic location: 18q21.2.
Variant type: single nucleotide variant.
Coding change: c.424+5G>A on transcript NM_005359.6 (MANE Select); 5 bases into the intron after coding-DNA position 424, G replaced by A.
Molecular consequence: intron variant.
Genome position (GRCh38, 1-based): chr18:51,048,865, G>A. VCF-style: chr18-51048865-G-A. GRCh37 (hg19) VCF-style: chr18-48575235-G-A.
Other names: IVS3+5G>A.
Identifiers: ClinVar variation 127950 (VCV000127950.81), dbSNP rs200772603, ClinGen allele CA288122.
Genomic context (GRCh38, chr18:51,048,865, plus strand): 5'-TGATAGTGTCTGTGTGAATCCATATCACTACGAACGAGTTGTATCACCTGGAATTGGTAA[G>A]TAGACTTTGCTTTCATCCTAAGAAACATAAAGGGAAAAGGATCTCAATAGTGTTTCAATT-3'

ClinVar aggregate classification (germline): Conflicting classifications of pathogenicity. Review status: criteria provided, conflicting classifications (1 of 4 stars). 25 submissions from 23 submitters: Uncertain significance (7); Benign (3); Likely benign (11). 4 of the submissions do not count toward it. Last evaluated 2026-09-01.

Conditions:
SMAD4-related disorder. Also called: SMAD4-related condition; SMAD4-Related disorders.
Juvenile polyposis syndrome (JPS). Identifiers: Orphanet 2929, MedGen C0345893, MONDO:0017380, OMIM 174900.
Hereditary cancer-predisposing syndrome. Also called: Neoplastic Syndromes, Hereditary; Hereditary Cancer Syndrome; Tumor predisposition; Hereditary neoplastic syndrome. Identifiers: Orphanet 140162, MedGen C0027672, MeSH D009386, MONDO:0015356.
Familial thoracic aortic aneurysm and aortic dissection (TAAD). Also called: Thoracic aortic aneurysms and dissections. Identifiers: Orphanet 91387, MedGen C4707243, MONDO:0019625.
Myhre syndrome (MYHRS). Also called: LARYNGOTRACHEAL STENOSIS, ARTHROPATHY, PROGNATHISM, AND SHORT STATURE; LAPS SYNDROME. Identifiers: Orphanet 2588, MedGen C0796081, MONDO:0007688, OMIM 139210.
Generalized juvenile polyposis/juvenile polyposis coli. Also called: Juvenile polyposis coli. Identifiers: Orphanet 329971, MedGen C1868081, MONDO:0008276.
Juvenile polyposis/hereditary hemorrhagic telangiectasia syndrome (JPHT). Also called: POLYPOSIS, GENERALIZED JUVENILE, WITH PULMONARY ARTERIOVENOUS MALFORMATION; TELANGIECTASIA, HEREDITARY HEMORRHAGIC, WITH JUVENILE POLYPOSIS COLI; Juvenile Polyposis Syndrome / Hereditary Hemorrhagic Telangiectasia (JPS/HHT); JP/HHT SYNDROME; JUVENILE POLYPOSIS WITH HEREDITARY HEMORRHAGIC TELANGIECTASIA. Identifiers: Orphanet 2929, MedGen C1832942, MONDO:0008278, OMIM 175050.

Allele frequency attached by ClinVar (database versions not stated): gnomAD 0.00010 and 0.00013; TOPMed 0.00013; 1000 Genomes Project 30x 0.00016; gnomAD exomes 0.00019 and 0.00022; 1000 Genomes Project 0.00020; ExAC 0.00023; ESP Exome Variant Server 0.00023.
gnomAD v4.1: 297 of 1,608,638 alleles (0.018%); highest among the groups gnomAD compares: Middle Eastern, 0.053%; no homozygotes.

Submissions 1 to 13 of 26:

CeGaT Center for Human Genetics Tuebingen
Classification: Likely benign. Last evaluated: 2026-09-01. Review status: criteria provided, single submitter. Criteria: CeGaT Center For Human Genetics Tuebingen Variant Classification Criteria Version 2. Collection method: clinical testing. Allele origin: germline. Affected: yes. Observed: 9 variant alleles.
Comment: SMAD4: BP4

Labcorp Genetics (formerly Invitae), Labcorp
Classification: Likely benign for Juvenile polyposis syndrome. Last evaluated: 2026-02-03. Review status: criteria provided, single submitter. Criteria: Invitae Variant Classification Sherloc (09022015). Collection method: clinical testing. Allele origin: germline.

Women's Health and Genetics/Laboratory Corporation of America, LabCorp
Classification: Likely benign. Last evaluated: 2025-11-07. Review status: criteria provided, single submitter. Criteria: LabCorp Variant Classification Summary - May 2015. Collection method: clinical testing. Allele origin: germline.
Comment: Variant summary: SMAD4 c.424+5G>A alters a nucleotide located close to a canonical splice site and therefore could affect mRNA splicing, leading to a significantly altered protein sequence. Several computational tools predict a significant impact on normal splicing: Two predict the variant weakens a 5' donor site. One predict the variant abolishes a 5 splicing donor site. One predict the variant no significant impact on splicing. However, these predictions have yet to be confirmed by functional studies. The variant allele was found at a frequency of 0.00022 in 250792 control chromosomes. The observed variant frequency exceeds the estimated maximal expected allele frequency for disease-causing variants in SMAD4. c.424+5G>A has been reported in individuals affected with cancer including colorectal cancer, hereditary breast and ovarian cancer, pancreatic ductal adenocarcinoma and familial intestinal gastric cancer (e.g. Tung_2015, Yurgelun_2015, Mandelker_2017, Chaffee_2018, Schubert_2019, Tsaousis_2019, Carvalho_2021). These reports do not provide unequivocal conclusions about association of the variant with Juvenile Polyposis Syndrome. To our knowledge, no experimental evidence demonstrating an impact on protein function has been reported. The following publications have been ascertained in the context of this evaluation (PMID: 25980754, 25186627, 27146957, 28873162, 28726808, 30426508, 31159747, 32066632). ClinVar contains an entry for this variant (Variation ID: 127950). Based on the evidence outlined above, the variant was classified as likely benign.

GeneDx
Classification: Uncertain significance. Last evaluated: 2025-11-03. Review status: criteria provided, single submitter. Criteria: GeneDx Variant Classification Process June 2021. Collection method: clinical testing. Allele origin: germline. Affected: yes.
Comment: In silico analysis supports that this variant does not alter splicing; however, published functional studies demonstrate evidence of aberrant splicing (Shiraishi Y et al. Systematic identification of intron retention associated variants from massive publicly available transcriptome sequencing data. bioRxiv. October 7, 2021); Observed in individuals with Lynch syndrome-associated cancer, familial gastric cancer, pancreatic cancer, breast cancer, or polyps, but has not been published in individuals with connective tissue disorders to our knowledge (PMID: 25186627, 27146957, 28726808, 30426508, 32066632, 34326862, 35534704); This variant is associated with the following publications: (PMID: 32066632, 25980754, 28873162, 31159747, 27146957, Shiraishi2021, 25186627, 28726808, 30426508, 35534704, 34326862, 15235019, 18823382, 22992590)

Center for Genomic Medicine, Rigshospitalet, Copenhagen University Hospital
Classification: Uncertain significance. Last evaluated: 2025-03-04. Review status: criteria provided, single submitter. Criteria: ACMG Guidelines, 2015. Collection method: clinical testing. Allele origin: germline.

Laboratory of Genetics, Children's Clinical University Hospital Latvia
Classification: Benign. Last evaluated: 2025-02-16. Review status: criteria provided, single submitter. Criteria: ACMG Guidelines, 2015. Collection method: clinical testing. Allele origin: germline. Affected: yes.

Ambry Genetics
Classification: Likely benign for Hereditary cancer-predisposing syndrome; Familial thoracic aortic aneurysm and aortic dissection. Last evaluated: 2025-01-02. Review status: criteria provided, single submitter. Criteria: Ambry Variant Classification Scheme 2023. Collection method: clinical testing. Allele origin: germline.

Blueprint Genetics
Classification: Likely benign. Last evaluated: 2024-10-29. Review status: criteria provided, single submitter. Criteria: ACMG Guidelines, 2015. Collection method: clinical testing. Allele origin: germline.

Molecular Pathology, Peter Maccallum Cancer Centre
Classification: Likely benign for Juvenile polyposis/hereditary hemorrhagic telangiectasia syndrome. Last evaluated: 2024-06-17. Review status: criteria provided, single submitter. Criteria: ACMG Guidelines, 2015. Collection method: clinical testing. Allele origin: germline. Inheritance: Autosomal dominant inheritance.

Department of Pathology and Laboratory Medicine, Sinai Health System
Classification: Uncertain significance for juvenile polyposis/hereditary hemorrhagic telangiectasia syndrome. Last evaluated: 2023-09-25. Review status: criteria provided, single submitter. Criteria: ACMG Guidelines, 2015. Collection method: clinical testing. Allele origin: germline. Affected: yes.

Quest Diagnostics Nichols Institute San Juan Capistrano
Classification: Benign. Last evaluated: 2023-04-19. Review status: criteria provided, single submitter. Criteria: Quest Diagnostics criteria. Collection method: clinical testing. Allele origin: unknown.
Comment: The frequency of this variant in the general population, 0.00037 (47/128762 chromosomes in European (Non-Finnish) subpopulation), is higher than would generally be expected for pathogenic variants in this gene. In the published literature, the variant has been reported in individuals with breast and/or ovarian cancer (PMIDs: 31159747 (2019), 30426508 (2018), and 25186627 (2015)), pancreatic cancer (PMID: 28726808 (2018)), gastric cancer (PMID: 32066632 (2021)), colon cancer (PMID: 25980754 (2015)), and hamartomatous polyposis syndrome (PMID: 2714957 (2016)). Analysis of this variant using software algorithms for the prediction of the effect of nucleotide changes on splicing yielded predictions that this variant may affect proper SMAD4 mRNA splicing . Based on the available information, we are unable to determine the clinical significance of this variant.

Myriad Genetics, Inc.
Classification: Likely benign for Juvenile polyposis/hereditary hemorrhagic telangiectasia syndrome. Last evaluated: 2023-04-10. Review status: criteria provided, single submitter. Criteria: Myriad Autosomal Dominant, Autosomal Recessive and X-Linked Classification Criteria (2023). Collection method: clinical testing. Allele origin: unknown.
Comment: This variant is considered likely benign. This variant is intronic and is not expected to impact mRNA splicing. Homozygosity has been confirmed in one or more individuals. As homozygosity for pathogenic variants in this gene is generally assumed to result in embryonic lethality, this variant is unlikely to be pathogenic.

Genetic Services Laboratory, University of Chicago
Classification: Likely benign. Last evaluated: 2021-08-31. Review status: criteria provided, single submitter. Criteria: ACMG Guidelines, 2015. Collection method: clinical testing. Allele origin: germline. Affected: no.